The following is an entry in ClinVar:

ClinVar aggregate classification (germline): Likely benign (0 of 4 stars; one submission).

Conditions:
ANO5-related disorder. Also called: ANO5-related disorders; ANO5-related condition. Identifiers: MedGen CN239193.

gnomAD v4.1: 17 of 1,613,856 alleles (0.0011%); highest among the groups gnomAD compares: Middle Eastern, 0.066%; no homozygotes.

Submission:

PreventionGenetics, part of Exact Sciences
Classification: Likely benign for ANO5-related condition. Last evaluated: 2019-03-19. Review status: no assertion criteria provided. Collection method: clinical testing. Allele origin: germline.
Comment: This variant is classified as likely benign based on ACMG/AMP sequence variant interpretation guidelines (Richards et al. 2015 PMID: 25741868, with internal and published modifications).

NM_213599.3(ANO5):c.2043A>G (p.Gly681=)

Gene: ANO5 (anoctamin 5; plus strand). Cytogenetic location: 11p14.3.
Variant type: single nucleotide variant.
Coding change: c.2043A>G on transcript NM_213599.3 (MANE Select); coding-DNA position 2043, A replaced by G.
Protein change: p.Gly681=; no amino-acid change (glycine 681 retained).
Molecular consequence: synonymous variant.
Genome position (GRCh38, 1-based): chr11:22,272,797, A>G. VCF-style: chr11-22272797-A-G. GRCh37 (hg19) VCF-style: chr11-22294343-A-G.
Other names: c.2040A>G, p.Gly680= (NM_001142649.2); c.2001A>G, p.Gly667= (NM_001410963.1); c.1998A>G, p.Gly666= (NM_001410964.1).
Identifiers: ClinVar variation 3047956 (VCV003047956.2), dbSNP rs1260272035, ClinGen allele CA473407472.